The following is an entry in ClinVar:

NM_016169.4(SUFU):c.38C>T (p.Thr13Ile)

Genes: SUFU (SUFU negative regulator of hedgehog signaling; plus strand), LOC130004614 (ATAC-STARR-seq lymphoblastoid silent region 2764; plus strand). Cytogenetic location: 10q24.32.
Variant type: single nucleotide variant.
Coding change: c.38C>T on transcript NM_016169.4 (MANE Select); coding-DNA position 38, C replaced by T.
Protein change: p.Thr13Ile; replaces threonine 13 with isoleucine.
Molecular consequence: missense variant.
Genome position (GRCh38, 1-based): chr10:102,504,190, C>T. VCF-style: chr10-102504190-C-T. GRCh37 (hg19) VCF-style: chr10-104263947-C-T.
Other names: c.38C>T, p.Thr13Ile (NM_001178133.2); short protein forms T13I.
Identifiers: ClinVar variation 824354 (VCV000824354.18), dbSNP rs768935165, ClinGen allele CA5667581.

ClinVar aggregate classification (germline): Uncertain significance. Review status: criteria provided, multiple submitters, no conflicts (2 of 4 stars). 5 submissions from 5 submitters: Uncertain significance (5). Last evaluated 2026-01-19.

Conditions:
Hereditary cancer-predisposing syndrome. Also called: Neoplastic Syndromes, Hereditary; Hereditary Cancer Syndrome; Hereditary neoplastic syndrome; Tumor predisposition. Identifiers: Orphanet 140162, MedGen C0027672, MeSH D009386, MONDO:0015356.
Gorlin syndrome. Also called: Nevoid Basal Cell Carcinoma Syndrome; Basal cell nevus syndrome. Identifiers: Orphanet 377, MedGen C0004779, MONDO:0007187.
Medulloblastoma (MDB). Also called: MEDULLOBLASTOMA PREDISPOSITION SYNDROME; Medulloblastoma, somatic. Identifiers: Orphanet 616, MedGen C0025149, MeSH D008527, MONDO:0007959, OMIM 155255, HP:0002885.
Familial meningioma. Also called: Meningioma, familial, susceptibility to. Identifiers: Orphanet 263662, MedGen C3551915, MONDO:0011789, OMIM 607174.

Allele frequency attached by ClinVar (database versions not stated): gnomAD 0.00006; TOPMed 0.00006.
gnomAD v4.1: 17 of 1,540,806 alleles (0.0011%); highest among the groups gnomAD compares: African/African-American, 0.023%; no homozygotes.

Submissions (5):

Labcorp Genetics (formerly Invitae), Labcorp
Classification: Uncertain significance for Gorlin syndrome; Medulloblastoma. Last evaluated: 2026-01-19. Review status: criteria provided, single submitter. Criteria: Invitae Variant Classification Sherloc (09022015). Collection method: clinical testing. Allele origin: germline.
Comment: This sequence change replaces threonine, which is neutral and polar, with isoleucine, which is neutral and non-polar, at codon 13 of the SUFU protein (p.Thr13Ile). This variant is present in population databases (rs768935165, gnomAD 0.01%). This variant has not been reported in the literature in individuals affected with SUFU-related conditions. ClinVar contains an entry for this variant (Variation ID: 824354). An algorithm developed to predict the effect of missense changes on protein structure and function (PolyPhen-2) suggests that this variant is likely to be tolerated. In summary, the available evidence is currently insufficient to determine the role of this variant in disease. Therefore, it has been classified as a Variant of Uncertain Significance.

Ambry Genetics
Classification: Uncertain significance for Hereditary cancer-predisposing syndrome. Last evaluated: 2025-08-10. Review status: criteria provided, single submitter. Criteria: Ambry Variant Classification Scheme 2023. Collection method: clinical testing. Allele origin: germline.
Comment: The p.T13I variant (also known as c.38C>T), located in coding exon 1 of the SUFU gene, results from a C to T substitution at nucleotide position 38. The threonine at codon 13 is replaced by isoleucine, an amino acid with similar properties. This amino acid position is not well conserved in available vertebrate species. In addition, this alteration is predicted to be tolerated by in silico analysis. Since supporting evidence is limited at this time, the clinical significance of this alteration remains unclear.

GeneDx
Classification: Uncertain significance. Last evaluated: 2024-02-09. Review status: criteria provided, single submitter. Criteria: GeneDx Variant Classification Process June 2021. Collection method: clinical testing. Allele origin: germline. Affected: yes.
Comment: In silico analysis supports that this missense variant does not alter protein structure/function; Has not been previously published as pathogenic or benign to our knowledge

Baylor Genetics
Classification: Uncertain significance for Familial meningioma. Last evaluated: 2023-10-27. Review status: criteria provided, single submitter. Criteria: ACMG Guidelines, 2015. Collection method: clinical testing. Allele origin: unknown.

Quest Diagnostics Nichols Institute San Juan Capistrano
Classification: Uncertain significance. Last evaluated: 2023-10-12. Review status: criteria provided, single submitter. Criteria: Quest Diagnostics criteria. Collection method: clinical testing. Allele origin: unknown.